The following is an entry in ClinVar:

NM_004958.4(MTOR):c.5171T>G (p.Met1724Arg)

Gene: MTOR (mechanistic target of rapamycin kinase; minus strand). Cytogenetic location: 1p36.22.
Variant type: single nucleotide variant.
Coding change: c.5171T>G on transcript NM_004958.4 (MANE Select); coding-DNA position 5171, T replaced by G.
Protein change: p.Met1724Arg; replaces methionine 1724 with arginine.
Molecular consequence: missense variant.
Genome position (GRCh38, 1-based): chr1:11,134,426, A>C on the plus strand (T>G on the coding strand, the complement: MTOR is on the minus strand). VCF-style: chr1-11134426-A-C. GRCh37 (hg19) VCF-style: chr1-11194483-A-C.
Other names: short protein forms M1724R.
Identifiers: ClinVar variation 932101 (VCV000932101.3), dbSNP rs1005738588, ClinGen allele CA338400993.
Genomic context (GRCh38, chr1:11,134,426, plus strand): 5'-TGCAGTTCCTGCTTATGCTGCTGGTCCTCAGTAGCGATGGCATGCTGGGCCTGTTGCTGC[A>C]TGGTCTGGACAAAATGCTGCATGTGCTGGAAGGCATCGATCTGTAACAGGACAAAGGCAC-3'
Protein context (NP_004949.1, residues 1714-1734): FQHMQHFVQT[Met1724Arg]QQQAQHAIAT

ClinVar aggregate classification (germline): Uncertain significance (1 of 4 stars; one submission).

Conditions:
Isolated focal cortical dysplasia type II (FCORD2). Also called: Focal cortical dysplasia type II; CORTICAL DYSPLASIA OF TAYLOR. Identifiers: Orphanet 268994, MedGen C1846385, MONDO:0011818, OMIM 607341, HP:0032051.

Submission:

Centre for Mendelian Genomics, University Medical Centre Ljubljana
Classification: Uncertain significance for Isolated focal cortical dysplasia type II. Last evaluated: 2019-11-04. Review status: criteria provided, single submitter. Criteria: ACMG Guidelines, 2015. Collection method: clinical testing. Allele origin: unknown. Affected: yes.
Comment: This variant was classified as: Uncertain significance. The available evidence on this variant's pathogenicity is insufficient or conflicting. The following ACMG criteria were applied in classifying this variant: PM2,PP3.